The following is an entry in ClinVar:

NM_181882.3(PRX):c.2641C>T (p.Arg881Trp)

Gene: PRX (periaxin; minus strand). Cytogenetic location: 19q13.2.
Variant type: single nucleotide variant.
Coding change: c.2641C>T on transcript NM_181882.3 (MANE Select); coding-DNA position 2641, C replaced by T.
Protein change: p.Arg881Trp; replaces arginine 881 with tryptophan.
Molecular consequence: missense variant. On other transcripts: 3 prime UTR variant (1).
Genome position (GRCh38, 1-based): chr19:40,395,711, G>A on the plus strand (C>T on the coding strand, the complement: PRX is on the minus strand). VCF-style: chr19-40395711-G-A. GRCh37 (hg19) VCF-style: chr19-40901618-G-A.
Other names: c.*2846C>T (NM_020956.2); short protein forms R881W.
Identifiers: ClinVar variation 543433 (VCV000543433.11), dbSNP rs375201649, ClinGen allele CA9444013.

ClinVar aggregate classification (germline): Uncertain significance. Review status: criteria provided, multiple submitters, no conflicts (2 of 4 stars). 3 submissions from 3 submitters: Uncertain significance (3). Last evaluated 2026-03-18.

Conditions:
Charcot-Marie-Tooth disease type 4. Also called: Charcot-Marie-Tooth disease, type IV; Charcot-Marie-Tooth, Type 4. Identifiers: Orphanet 64749, MedGen C4082197, MONDO:0018995.
Inborn genetic diseases. Identifiers: MedGen C0950123, MeSH D030342.
PRX-related disorder. Also called: PRX-Related Disorders; PRX-related condition.

gnomAD v4.1: 60 of 1,614,006 alleles (0.0037%); highest among the groups gnomAD compares: Middle Eastern, 0.033%; no homozygotes.

Submissions (3):

PreventionGenetics, part of Exact Sciences
Classification: Uncertain significance for PRX-related condition. Last evaluated: 2026-03-18. Review status: criteria provided, single submitter. Criteria: ACMG Guidelines, 2015. Collection method: clinical testing. Allele origin: germline.
Comment: The PRX c.2641C>T variant is predicted to result in the amino acid substitution p.Arg881Trp. This variant has been reported as a variant of uncertain significance in a cohort of individuals with neuropathy (Table S2, DiVincenzo et al. 2014. PubMed ID: 25614874). This variant is reported in 0.012% of alleles in individuals of African descent in gnomAD. At this time, the clinical significance of this variant is uncertain due to the absence of conclusive functional and genetic evidence.

Ambry Genetics
Classification: Uncertain significance for Inborn genetic diseases. Last evaluated: 2024-11-30. Review status: criteria provided, single submitter. Criteria: Ambry Variant Classification Scheme 2023. Collection method: clinical testing. Allele origin: germline.

Labcorp Genetics (formerly Invitae), Labcorp
Classification: Uncertain significance for Charcot-Marie-Tooth disease type 4. Last evaluated: 2022-07-14. Review status: criteria provided, single submitter. Criteria: Invitae Variant Classification Sherloc (09022015). Collection method: clinical testing. Allele origin: germline.
Comment: This sequence change replaces arginine, which is basic and polar, with tryptophan, which is neutral and slightly polar, at codon 881 of the PRX protein (p.Arg881Trp). This variant is present in population databases (rs375201649, gnomAD 0.01%). This variant has not been reported in the literature in individuals affected with PRX-related conditions. ClinVar contains an entry for this variant (Variation ID: 543433). Algorithms developed to predict the effect of missense changes on protein structure and function are either unavailable or do not agree on the potential impact of this missense change (SIFT: "Deleterious"; PolyPhen-2: "Benign"; Align-GVGD: "Class C0"). Algorithms developed to predict the effect of sequence changes on RNA splicing suggest that this variant may create or strengthen a splice site. In summary, the available evidence is currently insufficient to determine the role of this variant in disease. Therefore, it has been classified as a Variant of Uncertain Significance.